The following is an entry in ClinVar:

NM_000091.5(COL4A3):c.3418G>A (p.Gly1140Ser)

Genes: COL4A3 (collagen type IV alpha 3 chain; plus strand), MFF-DT (MFF divergent transcript; minus strand). Cytogenetic location: 2q36.3.
Variant type: single nucleotide variant.
Coding change: c.3418G>A on transcript NM_000091.5 (MANE Select); coding-DNA position 3418, G replaced by A.
Protein change: p.Gly1140Ser; replaces glycine 1140 with serine.
Molecular consequence: missense variant.
Genome position (GRCh38, 1-based): chr2:227,294,570, G>A. VCF-style: chr2-227294570-G-A. GRCh37 (hg19) VCF-style: chr2-228159286-G-A.
Other names: p.(Gly1140Ser); short protein forms G1140S.
Identifiers: ClinVar variation 4853862 (VCV004853862.1).

ClinVar aggregate classification (germline): Likely pathogenic (1 of 4 stars; one submission).

Conditions:
Hematuria, benign familial, 2 (BFH2). Identifiers: MedGen C5830421, MONDO:0958186, OMIM 620320.

Submission:

Centre de Génétique Humaine, Institut de Pathologie Et de Génétique
Classification: Likely pathogenic for Hematuria, benign familial, 2. Last evaluated: 2026-04-03. Review status: criteria provided, single submitter. Criteria: ACMG Guidelines, 2015. Collection method: clinical testing. Allele origin: germline. Inheritance: Autosomal dominant inheritance. Affected: yes. Observed: 1 variant allele, 1 heterozygote. Segregation with disease not observed.
Comment: This missense variant involves a highly conserved glycine located in a ‘Gly-X-Y’ motif in collagenous region, which is characteristic of the pathogenic variants identified in the COL4A3 gene (PM1,PP2). This variant is rare: absent in gnomAD v4.1.0 database (PM2); variant adjacent to splice site; In silico analysis supports that this missense variant has a deleterious effect, including decrease of splice scores (PP3). Another missense variant affecting the same residue described : c.3419G>A, p.(Gly1140Asp), PMID: 38972501 (PM5).